The following is an entry in ClinVar:

ClinVar aggregate classification (germline): Benign/Likely benign. Review status: criteria provided, multiple submitters, no conflicts (2 of 4 stars). 5 submissions from 3 submitters: Benign (2); Likely benign (3). Last evaluated 2026-01-22.

Conditions:
Thrombophilia due to thrombin defect (THPH1). Also called: Thrombosis susceptibility; THROMBOPHILIA DUE TO FACTOR 2 DEFECT; Prothrombin-Related Thrombophilia (Factor II); Prothrombin Thrombophilia. Identifiers: MedGen C3160733, MONDO:0008559, OMIM 188050. Disease mechanism: gain of function, loss of function.
Congenital factor V deficiency. Also called: Hereditary factor V deficiency disease; LABILE FACTOR DEFICIENCY; PARAHEMOPHILIA; OWREN PARAHEMOPHILIA. Identifiers: Orphanet 326, MedGen C0015499, MONDO:0009210, OMIM 227400.
Factor V deficiency. Also called: Reduced coagulation factor V activity. Identifiers: Orphanet 326, MedGen C4317320, MONDO:0020586, HP:0003225.
Inborn genetic diseases. Identifiers: MedGen C0950123, MeSH D030342.
Budd-Chiari syndrome (BDCHS). Also called: Hepatic vein obstruction. Identifiers: Orphanet 131, MedGen C0856761, MONDO:0010947, OMIM 600880, HP:0002639.

Allele frequency attached by ClinVar (database versions not stated): gnomAD exomes 0.00034 and 0.00133; gnomAD 0.00039 and 0.00054; TOPMed 0.00057; ExAC 0.00123; 1000 Genomes Project 30x 0.00281; 1000 Genomes Project 0.00300.
gnomAD v4.1: 594 of 1,613,734 alleles (0.037%); highest among the groups gnomAD compares: East Asian, 1.2%; 7 homozygotes.

Submissions (6):

Labcorp Genetics (formerly Invitae), Labcorp
Classification: Benign for Congenital factor V deficiency. Last evaluated: 2026-01-22. Review status: criteria provided, single submitter. Criteria: Invitae Variant Classification Sherloc (09022015). Collection method: clinical testing. Allele origin: germline.

Ambry Genetics
Classification: Likely benign for Inborn genetic diseases. Last evaluated: 2021-10-06. Review status: criteria provided, single submitter. Criteria: Ambry Variant Classification Scheme 2023. Collection method: clinical testing. Allele origin: germline.

Illumina Laboratory Services, Illumina
Classification: Likely benign for Venous thrombosis. Last evaluated: 2018-01-13. Review status: criteria provided, single submitter. Criteria: ICSL Variant Classification Criteria 13 December 2019. Collection method: clinical testing. Allele origin: germline.
Comment: This variant was observed in the ICSL laboratory as part of a predisposition screen in an ostensibly healthy population. It had not been previously curated by ICSL or reported in the Human Gene Mutation Database (HGMD: prior to June 1st, 2018), and was therefore a candidate for classification through an automated scoring system. Utilizing variant allele frequency, disease prevalence and penetrance estimates, and inheritance mode, an automated score was calculated to assess if this variant is too frequent to cause the disease. Based on the score and internal cut-off values, a variant classified as likely benign is not then subjected to further curation. The score for this variant resulted in a classification of likely benign for this disease.

Illumina Laboratory Services, Illumina
Classification: Benign for Congenital factor V deficiency. Last evaluated: 2018-01-13. Review status: criteria provided, single submitter. Criteria: ICSL Variant Classification Criteria 13 December 2019. Collection method: clinical testing. Allele origin: germline.
Comment: This variant was observed in the ICSL laboratory as part of a predisposition screen in an ostensibly healthy population. It had not been previously curated by ICSL or reported in the Human Gene Mutation Database (HGMD: prior to June 1st, 2018), and was therefore a candidate for classification through an automated scoring system. Utilizing variant allele frequency, disease prevalence and penetrance estimates, and inheritance mode, an automated score was calculated to assess if this variant is too frequent to cause the disease. Based on the score and internal cut-off values, a variant classified as benign is not then subjected to further curation. The score for this variant resulted in a classification of benign for this disease.

Illumina Laboratory Services, Illumina
Classification: Likely benign for Budd-Chiari syndrome. Last evaluated: 2018-01-13. Review status: criteria provided, single submitter. Criteria: ICSL Variant Classification Criteria 13 December 2019. Collection method: clinical testing. Allele origin: germline.
Comment: the same text as in the submission from Illumina Laboratory Services, Illumina above.

Dr. Peter K. Rogan Lab, Western University
No classification provided (evidence only). Condition: Malignant tumor of urinary bladder. Review status: no classification provided. Collection method: in vitro. Allele origin: not applicable. Functional consequence: retained intron. Not counted in ClinVar's aggregate classification.

NM_000130.5(F5):c.5558G>T (p.Gly1853Val)

Gene: F5 (coagulation factor V; minus strand). Cytogenetic location: 1q24.2.
Variant type: single nucleotide variant.
Coding change: c.5558G>T on transcript NM_000130.5 (MANE Select); coding-DNA position 5558, G replaced by T.
Protein change: p.Gly1853Val; replaces glycine 1853 with valine.
Molecular consequence: missense variant.
Genome position (GRCh38, 1-based): chr1:169,527,956, C>A on the plus strand (G>T on the coding strand, the complement: F5 is on the minus strand). VCF-style: chr1-169527956-C-A. GRCh37 (hg19) VCF-style: chr1-169497194-C-A.
Other names: short protein forms G1853V.
Identifiers: ClinVar variation 293580 (VCV000293580.16), dbSNP rs182566496, ClinGen allele CA1233479.